The following is an entry in ClinVar:

ClinVar aggregate classification (germline): Likely benign. Review status: criteria provided, multiple submitters, no conflicts (2 of 4 stars). 4 submissions from 4 submitters: Likely benign (4). Last evaluated 2026-03-01.

Conditions:
Primary ciliary dyskinesia. Also called: Ciliary dyskinesia. Identifiers: Orphanet 244, MedGen C0008780, MONDO:0016575, HP:0012265.

Allele frequency attached by ClinVar (database versions not stated): gnomAD exomes 0.00013 and 0.00020; gnomAD 0.00016; ExAC 0.00017; TOPMed 0.00019.
gnomAD v4.1: 231 of 1,613,612 alleles (0.014%); highest among the groups gnomAD compares: Middle Eastern, 0.23%; no homozygotes.

Submissions (4):

CeGaT Center for Human Genetics Tuebingen
Classification: Likely benign. Last evaluated: 2026-03-01. Review status: criteria provided, single submitter. Criteria: CeGaT Center For Human Genetics Tuebingen Variant Classification Criteria Version 2. Collection method: clinical testing. Allele origin: germline. Affected: yes. Observed: 4 variant alleles.
Comment: DNAH11: BP4, BP7

Labcorp Genetics (formerly Invitae), Labcorp
Classification: Likely benign for Primary ciliary dyskinesia. Last evaluated: 2026-01-12. Review status: criteria provided, single submitter. Criteria: Invitae Variant Classification Sherloc (09022015). Collection method: clinical testing. Allele origin: germline.

Blueprint Genetics
Classification: Likely benign. Last evaluated: 2024-08-28. Review status: criteria provided, single submitter. Criteria: ACMG Guidelines, 2015. Collection method: clinical testing. Allele origin: germline.

Ambry Genetics
Classification: Likely benign for Primary ciliary dyskinesia. Last evaluated: 2023-06-09. Review status: criteria provided, single submitter. Criteria: Ambry Variant Classification Scheme 2023. Collection method: clinical testing. Allele origin: germline.

NM_001277115.2(DNAH11):c.13398C>T (p.Pro4466=)

Genes: CDCA7L (cell division cycle associated 7 like; minus strand), DNAH11 (dynein axonemal heavy chain 11; plus strand). Cytogenetic location: 7p15.3.
Variant type: single nucleotide variant.
Coding change: c.13398C>T on transcript NM_001277115.2 (MANE Select); coding-DNA position 13398, C replaced by T.
Protein change: p.Pro4466=; no amino-acid change (proline 4466 retained).
Molecular consequence: synonymous variant. On other transcripts: 3 prime UTR variant (3).
Genome position (GRCh38, 1-based): chr7:21,901,101, C>T. VCF-style: chr7-21901101-C-T. GRCh37 (hg19) VCF-style: chr7-21940719-C-T.
Other names: c.*1221G>A (NM_001127370.3, NM_001127371.3, NM_018719.5).
Identifiers: ClinVar variation 359698 (VCV000359698.40), dbSNP rs72658836, ClinGen allele CA4183480.